The following is an entry in ClinVar:

NM_032119.4(ADGRV1):c.558+1G>T

Gene: ADGRV1 (adhesion G protein-coupled receptor V1; plus strand). Cytogenetic location: 5q14.3.
Variant type: single nucleotide variant.
Coding change: c.558+1G>T on transcript NM_032119.4 (MANE Select); the canonical splice donor site of the intron after coding-DNA position 558, G replaced by T.
Molecular consequence: splice donor variant.
Genome position (GRCh38, 1-based): chr5:90,622,702, G>T. VCF-style: chr5-90622702-G-T. GRCh37 (hg19) VCF-style: chr5-89918519-G-T.
Identifiers: ClinVar variation 2737436 (VCV002737436.3), dbSNP rs1277671151, ClinGen allele CA360363726.

ClinVar aggregate classification (germline): Likely pathogenic (1 of 4 stars; one submission).

Submission:

Labcorp Genetics (formerly Invitae), Labcorp
Classification: Likely pathogenic. Last evaluated: 2023-07-07. Review status: criteria provided, single submitter. Criteria: Invitae Variant Classification Sherloc (09022015). Collection method: clinical testing. Allele origin: germline.
Comment: In summary, the currently available evidence indicates that the variant is pathogenic, but additional data are needed to prove that conclusively. Therefore, this variant has been classified as Likely Pathogenic. Algorithms developed to predict the effect of sequence changes on RNA splicing suggest that this variant may disrupt the consensus splice site. This variant has not been reported in the literature in individuals affected with ADGRV1-related conditions. This variant is not present in population databases (gnomAD no frequency). This sequence change affects a donor splice site in intron 5 of the ADGRV1 gene. It is expected to disrupt RNA splicing. Variants that disrupt the donor or acceptor splice site typically lead to a loss of protein function (PMID: 16199547), and loss-of-function variants in ADGRV1 are known to be pathogenic (PMID: 19357117, 22135276, 22147658, 26226137, 30718709, 31047384, 32467589).

Literature cited by the submitters: PubMed 16199547; PubMed 19357117; PubMed 22135276; PubMed 22147658; PubMed 26226137; PubMed 30718709; PubMed 31047384; PubMed 32467589.